The following is an entry in ClinVar:

ClinVar aggregate classification (germline): Uncertain significance (1 of 4 stars; one submission).

Submission:

Women's Health and Genetics/Laboratory Corporation of America, LabCorp
Classification: Uncertain significance. Last evaluated: 2026-03-19. Review status: criteria provided, single submitter. Criteria: LabCorp Variant Classification Summary - May 2015. Collection method: clinical testing. Allele origin: germline.
Comment: Variant summary: FRAS1 c.11298G>C (p.Leu3766Phe) results in a non-conservative amino acid change in the encoded protein sequence. Algorithms developed to predict the effect of missense changes on protein structure and function all suggest that this variant is likely to be disruptive. Several computational tools predict a significant impact on normal splicing: Two predict the variant weakens a canonical 5' donor site and one predicts the variant abolishes a canonical 5' splicing donor site. However, these predictions have yet to be confirmed by functional studies. The variant was absent in 246772 control chromosomes. The available data on variant occurrences in the general population are insufficient to allow any conclusion about variant significance. To our knowledge, no occurrence of c.11298G>C in individuals affected with FRAS1-related conditions and no experimental evidence demonstrating its impact on protein function have been reported. No submitters have cited clinical-significance assessments for this variant to ClinVar. Based on the evidence outlined above, the variant was classified as uncertain significance.

NM_025074.7(FRAS1):c.11298G>C (p.Leu3766Phe)

Gene: FRAS1 (Fraser extracellular matrix complex subunit 1; plus strand). Cytogenetic location: 4q21.21.
Variant type: single nucleotide variant.
Coding change: c.11298G>C on transcript NM_025074.7 (MANE Select); coding-DNA position 11298, G replaced by C.
Protein change: p.Leu3766Phe; replaces leucine 3766 with phenylalanine.
Molecular consequence: missense variant.
Genome position (GRCh38, 1-based): chr4:78,537,200, G>C. VCF-style: chr4-78537200-G-C. GRCh37 (hg19) VCF-style: chr4-79458354-G-C.
Other names: short protein forms L3766F.
Identifiers: ClinVar variation 4847086 (VCV004847086.1).